The following is an entry in ClinVar:

NM_018136.5(ASPM):c.7544G>A (p.Arg2515Gln)

Gene: ASPM (assembly factor for spindle microtubules; minus strand). Cytogenetic location: 1q31.3.
Variant type: single nucleotide variant.
Coding change: c.7544G>A on transcript NM_018136.5 (MANE Select); coding-DNA position 7544, G replaced by A.
Protein change: p.Arg2515Gln; replaces arginine 2515 with glutamine.
Molecular consequence: missense variant. On other transcripts: intron variant (1).
Genome position (GRCh38, 1-based): chr1:197,101,707, C>T on the plus strand (G>A on the coding strand, the complement: ASPM is on the minus strand). VCF-style: chr1-197101707-C-T. GRCh37 (hg19) VCF-style: chr1-197070837-C-T.
Other names: c.7544G>A (NM_018136.4); c.4066-5543G>A (NM_001206846.2); short protein forms R2515Q.
Identifiers: ClinVar variation 1472408 (VCV001472408.8), dbSNP rs751584273, ClinGen allele CA1309379.

ClinVar aggregate classification (germline): Uncertain significance. Review status: criteria provided, multiple submitters, no conflicts (2 of 4 stars). 4 submissions from 4 submitters: Uncertain significance (4). Last evaluated 2025-10-17.

Conditions:
Microcephaly 5, primary, autosomal recessive (MCPH5). Also called: ASPM Primary Microcephaly. Identifiers: Orphanet 2512, MedGen C1837501, MONDO:0012106, OMIM 608716.
Inborn genetic diseases. Identifiers: MedGen C0950123, MeSH D030342.

Allele frequency attached by ClinVar (database versions not stated): TOPMed 0.00002; gnomAD 0.00001.
gnomAD v4.1: 27 of 1,611,810 alleles (0.0017%); highest among the groups gnomAD compares: South Asian, 0.016%; no homozygotes.

Submissions (4):

Dasa
Classification: Uncertain significance. Last evaluated: 2025-10-17. Review status: criteria provided, single submitter. Criteria: DASA Assertion Criteria. Collection method: clinical testing. Allele origin: germline.
Comment: NM_018136.5(ASPM):c.7544G>A (p.Arg2515Gln) is a missense variant that results in the substitution of arginine with glutamine. This variant is rare in population databases. Computational prediction algorithms are consistent with a deleterious effect. The currently available literature and clinical evidence are not sufficient to establish a definitive association between this variant and the reported condition. Therefore, this variant is classified as a variant of uncertain significance.

Genome-Nilou Lab
Classification: Uncertain significance for Microcephaly 5, primary, autosomal recessive. Last evaluated: 2023-04-11. Review status: criteria provided, single submitter. Criteria: ACMG Guidelines, 2015. Collection method: clinical testing. Allele origin: germline. Affected: no.

Ambry Genetics
Classification: Uncertain significance for Inborn genetic diseases. Last evaluated: 2021-11-30. Review status: criteria provided, single submitter. Criteria: Ambry Variant Classification Scheme 2023. Collection method: clinical testing. Allele origin: germline.

Labcorp Genetics (formerly Invitae), Labcorp
Classification: Uncertain significance. Last evaluated: 2021-11-26. Review status: criteria provided, single submitter. Criteria: Invitae Variant Classification Sherloc (09022015). Collection method: clinical testing. Allele origin: germline.
Comment: In summary, the available evidence is currently insufficient to determine the role of this variant in disease. Therefore, it has been classified as a Variant of Uncertain Significance. Algorithms developed to predict the effect of missense changes on protein structure and function are either unavailable or do not agree on the potential impact of this missense change (SIFT: "Deleterious"; PolyPhen-2: "Benign"; Align-GVGD: "Class C35"). This variant has not been reported in the literature in individuals affected with ASPM-related conditions. This variant is present in population databases (rs751584273, gnomAD 0.03%). This sequence change replaces arginine, which is basic and polar, with glutamine, which is neutral and polar, at codon 2515 of the ASPM protein (p.Arg2515Gln).